The following is an entry in ClinVar:

NM_032043.3(BRIP1):c.3615A>C (p.Lys1205Asn)

Gene: BRIP1 (BRCA1 interacting DNA helicase 1; minus strand). Cytogenetic location: 17q23.2.
Variant type: single nucleotide variant.
Coding change: c.3615A>C on transcript NM_032043.3 (MANE Select); coding-DNA position 3615, A replaced by C.
Protein change: p.Lys1205Asn; replaces lysine 1205 with asparagine.
Molecular consequence: missense variant.
Genome position (GRCh38, 1-based): chr17:61,683,431, T>G on the plus strand (A>C on the coding strand, the complement: BRIP1 is on the minus strand). VCF-style: chr17-61683431-T-G. GRCh37 (hg19) VCF-style: chr17-59760792-T-G.
Other names: c.3615A>C (NM_032043.2); short protein forms K1205N.
Identifiers: ClinVar variation 1407005 (VCV001407005.11), dbSNP rs768156067, ClinGen allele CA400478021.

ClinVar aggregate classification (germline): Uncertain significance. Review status: criteria provided, multiple submitters, no conflicts (2 of 4 stars). 2 submissions from 2 submitters: Uncertain significance (2). Last evaluated 2025-08-02.

Conditions:
Hereditary cancer-predisposing syndrome. Also called: Neoplastic Syndromes, Hereditary; Hereditary neoplastic syndrome; Hereditary Cancer Syndrome; Tumor predisposition. Identifiers: Orphanet 140162, MedGen C0027672, MeSH D009386, MONDO:0015356.
Familial cancer of breast. Also called: Hereditary breast cancer; hereditary breast carcinoma; BREAST CANCER, FAMILIAL. Identifiers: Orphanet 227535, MedGen C0346153, MONDO:0016419, OMIM 114480. Disease mechanism: loss of function.
Fanconi anemia complementation group J. Also called: BRIP1-Related Fanconi Anemia. Identifiers: Orphanet 84, MedGen C1836860, MONDO:0012187, OMIM 609054.

Submissions (2):

Ambry Genetics
Classification: Uncertain significance for Hereditary cancer-predisposing syndrome. Last evaluated: 2025-08-02. Review status: criteria provided, single submitter. Criteria: Ambry Variant Classification Scheme 2023. Collection method: clinical testing. Allele origin: germline.
Comment: The p.K1205N variant (also known as c.3615A>C), located in coding exon 19 of the BRIP1 gene, results from an A to C substitution at nucleotide position 3615. The lysine at codon 1205 is replaced by asparagine, an amino acid with similar properties. This amino acid position is conserved. In addition, this alteration is predicted to be tolerated by in silico analysis. Since supporting evidence is limited at this time, the clinical significance of this alteration remains unclear.

Labcorp Genetics (formerly Invitae), Labcorp
Classification: Uncertain significance for Familial cancer of breast; Fanconi anemia complementation group J. Last evaluated: 2023-06-21. Review status: criteria provided, single submitter. Criteria: Invitae Variant Classification Sherloc (09022015). Collection method: clinical testing. Allele origin: germline.
Comment: This variant has not been reported in the literature in individuals affected with BRIP1-related conditions. In summary, the available evidence is currently insufficient to determine the role of this variant in disease. Therefore, it has been classified as a Variant of Uncertain Significance. An algorithm developed to predict the effect of missense changes on protein structure and function (PolyPhen-2) suggests that this variant is likely to be disruptive. ClinVar contains an entry for this variant (Variation ID: 1407005). This variant is not present in population databases (gnomAD no frequency). This sequence change replaces lysine, which is basic and polar, with asparagine, which is neutral and polar, at codon 1205 of the BRIP1 protein (p.Lys1205Asn).